The following is an entry in ClinVar:

ClinVar aggregate classification (germline): Uncertain significance (1 of 4 stars; one submission).

Conditions:
Short-rib thoracic dysplasia 8 with or without polydactyly (SRTD8). Also called: SHORT-RIB THORACIC DYSPLASIA 8 WITH POLYDACTYLY. Identifiers: Orphanet 93271, MedGen C3809691, MONDO:0014214, OMIM 615503.

Submission:

Labcorp Genetics (formerly Invitae), Labcorp
Classification: Uncertain significance for Short-rib thoracic dysplasia 8 with or without polydactyly. Last evaluated: 2023-08-09. Review status: criteria provided, single submitter. Criteria: Invitae Variant Classification Sherloc (09022015). Collection method: clinical testing. Allele origin: germline.
Comment: In summary, the available evidence is currently insufficient to determine the role of this variant in disease. Therefore, it has been classified as a Variant of Uncertain Significance. Algorithms developed to predict the effect of sequence changes on RNA splicing suggest that this variant may disrupt the consensus splice site. An algorithm developed to predict the effect of missense changes on protein structure and function (PolyPhen-2) suggests that this variant is likely to be tolerated. This variant has not been reported in the literature in individuals affected with WDR60-related conditions. This variant is not present in population databases (gnomAD no frequency). This sequence change replaces threonine, which is neutral and polar, with serine, which is neutral and polar, at codon 309 of the WDR60 protein (p.Thr309Ser).

NM_018051.5(DYNC2I1):c.925A>T (p.Thr309Ser)

Gene: DYNC2I1 (dynein 2 intermediate chain 1; plus strand). Cytogenetic location: 7q36.3.
Variant type: single nucleotide variant.
Coding change: c.925A>T on transcript NM_018051.5 (MANE Select); coding-DNA position 925, A replaced by T.
Protein change: p.Thr309Ser; replaces threonine 309 with serine.
Molecular consequence: missense variant. On other transcripts: 5 prime UTR variant (3), intron variant (1).
Genome position (GRCh38, 1-based): chr7:158,884,609, A>T. VCF-style: chr7-158884609-A-T. GRCh37 (hg19) VCF-style: chr7-158677300-A-T.
Other names: c.787A>T, p.Thr263Ser (NM_001350914.2); c.-434A>T (NM_001350916.2); c.-442A>T (NM_001350917.2); c.-561A>T (NM_001350918.2); c.363-2412A>T (NM_001350915.2); short protein forms T263S, T309S.
Identifiers: ClinVar variation 3012273 (VCV003012273.3), dbSNP rs1585031006, ClinGen allele CA370182221.